The following is an entry in ClinVar:

ClinVar aggregate classification (germline): Benign/Likely benign. Review status: criteria provided, multiple submitters, no conflicts (2 of 4 stars). 8 submissions from 8 submitters: Benign (5); Likely benign (2). 1 of the submissions does not count toward it. Last evaluated 2026-01-26.

Conditions:
CARBONIC ANHYDRASE II VARIANT.
Osteopetrosis with renal tubular acidosis (OPTB3). Also called: Autosomal recessive osteopetrosis 3. Identifiers: Orphanet 2785, MedGen C0345407, MONDO:0009818, OMIM 259730.

Allele frequency attached by ClinVar (database versions not stated): gnomAD exomes 0.00238 and 0.00680; gnomAD 0.02817 and 0.02634; TOPMed 0.02872; ExAC 0.00833; 1000 Genomes Project 0.03155; 1000 Genomes Project 30x 0.03310.
gnomAD v4.1: 7,605 of 1,613,926 alleles (0.47%); highest among the groups gnomAD compares: African/African-American, 9%; 338 homozygotes.

Submissions (8):

Labcorp Genetics (formerly Invitae), Labcorp
Classification: Benign. Last evaluated: 2026-01-26. Review status: criteria provided, single submitter. Criteria: Invitae Variant Classification Sherloc (09022015). Collection method: clinical testing. Allele origin: germline.

Mayo Clinic Laboratories, Mayo Clinic
Classification: Benign. Last evaluated: 2023-06-09. Review status: criteria provided, single submitter. Criteria: ACMG Guidelines, 2015. Collection method: clinical testing. Allele origin: germline. Observed: 4 variant alleles.
Comment: BA1, BS2, BP4

Fulgent Genetics
Classification: Benign for Osteopetrosis with renal tubular acidosis. Last evaluated: 2022-03-30. Review status: criteria provided, single submitter. Criteria: ACMG Guidelines, 2015. Collection method: clinical testing. Allele origin: unknown.

GeneDx
Classification: Benign. Last evaluated: 2020-04-27. Review status: criteria provided, single submitter. Criteria: GeneDx Variant Classification Process June 2021. Collection method: clinical testing. Allele origin: germline. Affected: yes.
Comment: This variant is associated with the following publications: (PMID: 31690045)

Mendelics
Classification: Benign for Osteopetrosis with renal tubular acidosis. Last evaluated: 2019-05-28. Review status: criteria provided, single submitter. Criteria: Mendelics Assertion Criteria 2017. Collection method: clinical testing. Allele origin: unknown.

Illumina Laboratory Services, Illumina
Classification: Likely benign for Osteopetrosis with renal tubular acidosis. Last evaluated: 2017-04-27. Review status: criteria provided, single submitter. Criteria: ICSL Variant Classification Criteria 13 December 2019. Collection method: clinical testing. Allele origin: germline.
Comment: This variant was observed as part of a predisposition screen in an ostensibly healthy population. A literature search was performed for the gene, cDNA change, and amino acid change (where applicable). Publications were found based on this search. The evidence from the literature, in combination with allele frequency data from public databases where available, was sufficient to determine this variant is unlikely to cause disease. Therefore, this variant is classified as likely benign.

Breakthrough Genomics
Classification: Likely benign. Review status: criteria provided, single submitter. Criteria: ACMG Guidelines, 2015. Collection method: not provided. Allele origin: germline. Inheritance: Autosomal recessive inheritance. Affected: yes.

OMIM
Classification: Pathogenic for CARBONIC ANHYDRASE II VARIANT. Last evaluated: 1972-06-25. Review status: no assertion criteria provided. Collection method: literature only. Allele origin: germline. Not counted in ClinVar's aggregate classification.

Literature cited by the submitters: PubMed 31690045 (cited by Mayo Clinic Laboratories, Mayo Clinic); PubMed 34426522 (cited by Mayo Clinic Laboratories, Mayo Clinic); PubMed 4624444 (cited by Illumina Laboratory Services, Illumina and OMIM); PubMed 18060825 (cited by Illumina Laboratory Services, Illumina).

NM_000067.3(CA2):c.754A>G (p.Asn252Asp)

Gene: CA2 (carbonic anhydrase 2; plus strand). Cytogenetic location: 8q21.2.
Variant type: single nucleotide variant.
Coding change: c.754A>G on transcript NM_000067.3 (MANE Select); coding-DNA position 754, A replaced by G.
Protein change: p.Asn252Asp; replaces asparagine 252 with aspartic acid.
Molecular consequence: missense variant.
Genome position (GRCh38, 1-based): chr8:85,480,760, A>G. VCF-style: chr8-85480760-A-G. GRCh37 (hg19) VCF-style: chr8-86392989-A-G.
Other names: c.451A>G, p.Asn151Asp (NM_001293675.2); short protein forms N252D, N151D.
Identifiers: ClinVar variation 913 (VCV000000913.20), dbSNP rs2228063, ClinGen allele CA114619.